The following is an entry in ClinVar:

ClinVar aggregate classification (germline): Likely pathogenic (1 of 4 stars; one submission).

Conditions:
Intellectual developmental disorder with microcephaly and with or without ocular malformations or hypogonadotropic hypogonadism. Also called: Intellectual disability, autosomal dominant 27; Coffin-Siris Syndrome 9. Identifiers: Orphanet 1465, MedGen C4014528, MONDO:0014376, OMIM 615866.

Submission:

SIB Swiss Institute of Bioinformatics
Classification: Likely pathogenic for Intellectual developmental disorder with microcephaly and with or without ocular malformations or hypogonadotropic hypogonadism. Last evaluated: 2023-03-09. Review status: criteria provided, single submitter. Criteria: ACMG Guidelines, 2015. Collection method: curation. Allele origin: unknown.
Comment: This variant is interpreted as likely pathogenic for Intellectual developmental disorder with microcephaly and with or without ocular malformations or hypogonadotropic hypogonadism, autosomal dominant. The following ACMG Tag(s) were applied: Absent from controls (or at extremely low frequency if recessive) in Exome Sequencing Project, 1000 Genomes Project, or Exome Aggregation Consortium (PM2); De novo paternity and maternity confirmed (PS2); Well-established functional studies show a deleterious effect (PS3 downgraded to supporting).

Literature cited by the submitters: PubMed 26543203.

NM_003108.4(SOX11):c.359C>A (p.Pro120His)

Gene: SOX11 (SRY-box transcription factor 11; plus strand). Cytogenetic location: 2p25.2.
Variant type: single nucleotide variant.
Coding change: c.359C>A on transcript NM_003108.4 (MANE Select); coding-DNA position 359, C replaced by A.
Protein change: p.Pro120His; replaces proline 120 with histidine.
Molecular consequence: missense variant.
Genome position (GRCh38, 1-based): chr2:5,693,080, C>A. VCF-style: chr2-5693080-C-A. GRCh37 (hg19) VCF-style: chr2-5833212-C-A.
Other names: short protein forms P120H.
Identifiers: ClinVar variation 2443025 (VCV002443025.1), dbSNP rs1665662335, ClinGen allele CA345866539.